The following is an entry in ClinVar:

NM_000152.5(GAA):c.930_932del (p.Phe311del)

Gene: GAA (alpha glucosidase; plus strand). Cytogenetic location: 17q25.3.
Variant type: Deletion.
Coding change: c.930_932del on transcript NM_000152.5 (MANE Select); coding-DNA positions 930 to 932, 3 bases deleted (GTT; older notation c.930_932delGTT).
Protein change: p.Phe311del; deletes phenylalanine 311.
Molecular consequence: inframe deletion.
Genome position (GRCh38, 1-based): chr17:80,107,871-80,107,873, GTT deleted; deleting any 3 consecutive bases within chr17:80,107,870-80,107,873 gives the same sequence; the c. name uses the placement nearest the transcript's 3' end. VCF-style (leftmost placement, unchanged base first): chr17-80107869-GTGT-G. GRCh37 (hg19) VCF-style: chr17-78081668-GTGT-G.
Other names: c.930_932del, p.Phe311del (NM_001406741.1, NM_001406742.1, NM_001079803.3 and 1 more transcripts); short protein forms F311del.
Identifiers: ClinVar variation 4876491 (VCV004876491.1).

ClinVar aggregate classification (germline): Uncertain significance (1 of 4 stars; one submission).

Conditions:
Glycogen storage disease, type II (IOPD). Also called: Pompe Disease; CARDIOMEGALIA GLYCOGENICA DIFFUSA; GLYCOGENOSIS, GENERALIZED, CARDIAC FORM; GSD II; POMPE DISEASE, INFANTILE-ONSET; GLYCOGEN STORAGE DISEASE II, INFANTILE-ONSET. Identifiers: Orphanet 365, MedGen C0017921, MONDO:0009290, OMIM 232300.

Submission:

Genomenon, Inc
Classification: Uncertain significance for Glycogen storage disease, type II. Last evaluated: 2026-07-01. Review status: criteria provided, single submitter. Criteria: Genomenon Sequence Variant Interpretation Standards - Updated. Collection method: curation. Allele origin: germline. Affected: yes.
Comment: GAA p.Phe311del (c.930_932del) is an in-frame deletion that results in the loss of Phenylalanine at codon 311. This variant has been observed in at least one proband with a GAA-related disorder in the compound heterozygous and/or homozygous state (PMID:29422078). It is absent or not present at a significant frequency in gnomAD. In conclusion, we classify GAA p.Phe311del (c.930_932del) as a variant of uncertain significance.

Literature cited by the submitters: PubMed 29422078.